The following is an entry in ClinVar:

NM_000059.4(BRCA2):c.4563A>C (p.Leu1521=)

Gene: BRCA2 (BRCA2 DNA repair associated; plus strand). Cytogenetic location: 13q13.1.
Variant type: single nucleotide variant.
Coding change: c.4563A>C on transcript NM_000059.4 (MANE Select); coding-DNA position 4563, A replaced by C.
Protein change: p.Leu1521=; no amino-acid change (leucine 1521 retained).
Molecular consequence: synonymous variant.
Genome position (GRCh38, 1-based): chr13:32,338,918, A>C. VCF-style: chr13-32338918-A-C. GRCh37 (hg19) VCF-style: chr13-32913055-A-C.
Other names: p.L1521L:CTA>CTC.
Identifiers: ClinVar variation 182287 (VCV000182287.28), dbSNP rs206075, ClinGen allele CA020457.

ClinVar aggregate classification (germline): Likely benign. Review status: reviewed by expert panel (3 of 4 stars). 12 submissions from 12 submitters: Likely benign (1). 11 of the submissions do not count toward it. Last evaluated 2017-06-29.

Conditions:
Hereditary cancer-predisposing syndrome. Also called: Tumor predisposition; Hereditary Cancer Syndrome; Hereditary neoplastic syndrome; Neoplastic Syndromes, Hereditary. Identifiers: Orphanet 140162, MedGen C0027672, MeSH D009386, MONDO:0015356.
Hereditary breast ovarian cancer syndrome. Also called: Breast and ovarian cancer; Hereditary breast and ovarian cancer syndrome; Hereditary breast and ovarian cancer; BRCA1- and BRCA2-Associated Hereditary Breast and Ovarian Cancer; Hereditary breast and ovarian cancer syndrome (HBOC); Hereditary breast and/or ovarian cancer syndrome. Identifiers: Orphanet 145, MedGen C0677776, MeSH D061325, MONDO:0003582. Disease mechanism: loss of function.
Breast-ovarian cancer, familial, susceptibility to, 2 (BROVCA2). Also called: BRCA2 Hereditary Breast and Ovarian Cancer. Identifiers: Orphanet 145, MedGen C2675520, MONDO:0012933, OMIM 612555. Disease mechanism: loss of function.

gnomAD v4.1: 10 of 1,613,890 alleles (0.00062%); highest among the groups gnomAD compares: Non-Finnish European, 0.00076%; no homozygotes.

Submissions (12):

Evidence-based Network for the Interpretation of Germline Mutant Alleles (ENIGMA)
Classification: Likely benign for Breast-ovarian cancer, familial, susceptibility to, 2. Last evaluated: 2017-06-29. Review status: reviewed by expert panel. Criteria: ENIGMA BRCA1/2 Classification Criteria (2017-06-29). Collection method: curation. Allele origin: germline.
Comment: Synonymous substitution variant, with low bioinformatic likelihood to result in a splicing aberration (Splicing prior probability 0.02).

Labcorp Genetics (formerly Invitae), Labcorp
Classification: Likely benign for Hereditary breast ovarian cancer syndrome. Last evaluated: 2025-12-17. Review status: criteria provided, single submitter. Criteria: Invitae Variant Classification Sherloc (09022015). Collection method: clinical testing. Allele origin: germline. Not counted in ClinVar's aggregate classification.

Quest Diagnostics Nichols Institute San Juan Capistrano
Classification: Likely benign. Last evaluated: 2025-05-21. Review status: criteria provided, single submitter. Criteria: Quest Diagnostics criteria. Collection method: clinical testing. Allele origin: unknown. Not counted in ClinVar's aggregate classification.

All of Us Research Program, National Institutes of Health
Classification: Likely benign for Breast-ovarian cancer, familial, susceptibility to, 2. Last evaluated: 2023-12-13. Review status: criteria provided, single submitter. Criteria: ACMG Guidelines, 2015. Collection method: clinical testing. Allele origin: germline. Inheritance: Autosomal dominant inheritance. Observed: 7 variant alleles, 7 heterozygotes. Not counted in ClinVar's aggregate classification.
Comment: This study involves interpretation of variants in research participants for the purpose of population health screening. Participant phenotype was not available at the time of variant classification. Additional details can be found in publication PMID: 35346344, PMCID: PMC8962531

Women's Health and Genetics/Laboratory Corporation of America, LabCorp
Classification: Likely benign. Last evaluated: 2022-09-19. Review status: criteria provided, single submitter. Criteria: LabCorp Variant Classification Summary - May 2015. Collection method: clinical testing. Allele origin: germline. Not counted in ClinVar's aggregate classification.

Sema4
Classification: Likely benign for Hereditary cancer-predisposing syndrome. Last evaluated: 2021-12-18. Review status: criteria provided, single submitter. Criteria: Sema4 Curation Guidelines. Collection method: curation. Allele origin: germline. Not counted in ClinVar's aggregate classification.

Genetic Services Laboratory, University of Chicago
Classification: Likely benign. Last evaluated: 2021-07-26. Review status: criteria provided, single submitter. Criteria: ACMG Guidelines, 2015. Collection method: clinical testing. Allele origin: germline. Affected: no. Not counted in ClinVar's aggregate classification.

Color Diagnostics, LLC DBA Color Health
Classification: Likely benign for Hereditary cancer-predisposing syndrome. Last evaluated: 2016-06-28. Review status: criteria provided, single submitter. Criteria: ACMG Guidelines, 2015. Collection method: clinical testing. Allele origin: germline. Not counted in ClinVar's aggregate classification.

Ambry Genetics
Classification: Likely benign for Hereditary cancer-predisposing syndrome. Last evaluated: 2015-06-18. Review status: criteria provided, single submitter. Criteria: Ambry Variant Classification Scheme 2023. Collection method: clinical testing. Allele origin: germline. Not counted in ClinVar's aggregate classification.

GeneDx
Classification: Benign. Last evaluated: 2014-06-21. Review status: criteria provided, single submitter. Criteria: GeneDx Variant Classification (06012015). Collection method: clinical testing. Allele origin: germline. Affected: yes. Not counted in ClinVar's aggregate classification.
Comment: This variant is considered likely benign or benign based on one or more of the following criteria: it is a conservative change, it occurs at a poorly conserved position in the protein, it is predicted to be benign by multiple in silico algorithms, and/or has population frequency not consistent with disease.

True Health Diagnostics
Classification: Likely benign for Hereditary cancer-predisposing syndrome. Last evaluated: 2017-10-10. Review status: no assertion criteria provided. Collection method: clinical testing. Allele origin: germline. Not counted in ClinVar's aggregate classification.

Counsyl
Classification: Likely benign for Breast-ovarian cancer, familial, susceptibility to, 2. Last evaluated: 2016-06-08. Review status: no assertion criteria provided. Collection method: clinical testing. Allele origin: unknown. Not counted in ClinVar's aggregate classification.